The following is an entry in ClinVar:

ClinVar aggregate classification (germline): Conflicting classifications of pathogenicity. Review status: criteria provided, conflicting classifications (1 of 4 stars). 8 submissions from 8 submitters: Uncertain significance (1); Benign (2); Likely benign (5). Last evaluated 2026-01-14.

Conditions:
Cardiovascular phenotype. Identifiers: MedGen CN230736.
Catecholaminergic polymorphic ventricular tachycardia (CVPT). Also called: Catecholamine-induced polymorphic ventricular tachycardia. Identifiers: Orphanet 3286, MedGen C5574922, MONDO:0017990.
Cardiomyopathy (CMYO). Also called: Cardiomyopathies. Identifiers: Orphanet 167848, MedGen C0878544, MONDO:0004994, HP:0001638. Inheritance: Various modes of inheritance.
Ventricular arrhythmias due to cardiac ryanodine receptor calcium release deficiency syndrome. Also called: Autosomal dominant cardiac arrhythmia (Kuhn). Identifiers: MedGen C5542154, MONDO:0020745, OMIM 115000.
Catecholaminergic polymorphic ventricular tachycardia 1. Also called: RYR2-Related Catecholaminergic Polymorphic Ventricular Tachycardia; VENTRICULAR TACHYCARDIA, STRESS-INDUCED POLYMORPHIC 1; VENTRICULAR TACHYCARDIA, CATECHOLAMINERGIC POLYMORPHIC, 1, WITH OR WITHOUT ATRIAL DYSFUNCTION AND/OR DILATED CARDIOMYOPATHY. Identifiers: Orphanet 3286, MedGen C1631597, MONDO:0011484, OMIM 604772.

Allele frequency attached by ClinVar (database versions not stated): ExAC 0.00003; gnomAD exomes 0.00004; TOPMed 0.00017; gnomAD 0.00018.
gnomAD v4.1: 102 of 1,613,540 alleles (0.0063%); highest among the groups gnomAD compares: African/African-American, 0.043%; no homozygotes.

Submissions (8):

Labcorp Genetics (formerly Invitae), Labcorp
Classification: Likely benign for Catecholaminergic polymorphic ventricular tachycardia 1. Last evaluated: 2026-01-14. Review status: criteria provided, single submitter. Criteria: Invitae Variant Classification Sherloc (09022015). Collection method: clinical testing. Allele origin: germline.

Women's Health and Genetics/Laboratory Corporation of America, LabCorp
Classification: Benign. Last evaluated: 2025-02-08. Review status: criteria provided, single submitter. Criteria: LabCorp Variant Classification Summary - May 2015. Collection method: clinical testing. Allele origin: germline.

Clinical Genomics Laboratory, Washington University in St. Louis
Classification: Uncertain significance for Ventricular arrhythmias due to cardiac ryanodine receptor calcium release deficiency syndrome. Last evaluated: 2025-01-28. Review status: criteria provided, single submitter. Criteria: ACMG Guidelines, 2015. Collection method: clinical testing. Allele origin: germline.
Comment: The RYR2 c.3225C>T (p.Ala1075=) variant, to our knowledge, has not been reported in the medical literature. This variant has been reported in the ClinVar database as a germline benign/likely benign variant by six submitters (Variation ID: 179911). This variant is observed on 14/279,926 alleles in the general population (gnomAD v.2.1.1). Computational predictors indicate that the variant has no impact on splicing, evidence that this variant does not have a damaging effect on RYR2 function. Due to limited information the clinical significance of this variant is uncertain at this time.

All of Us Research Program, National Institutes of Health
Classification: Likely benign for Catecholaminergic polymorphic ventricular tachycardia. Last evaluated: 2023-09-17. Review status: criteria provided, single submitter. Criteria: ACMG Guidelines, 2015. Collection method: clinical testing. Allele origin: germline. Inheritance: Autosomal dominant inheritance. Observed: 6 variant alleles, 6 heterozygotes.
Comment: This study involves interpretation of variants in research participants for the purpose of population health screening. Participant phenotype was not available at the time of variant classification. Additional details can be found in publication PMID: 35346344, PMCID: PMC8962531

Ambry Genetics
Classification: Likely benign for Cardiovascular phenotype. Last evaluated: 2019-03-26. Review status: criteria provided, single submitter. Criteria: Ambry Variant Classification Scheme 2023. Collection method: clinical testing. Allele origin: germline.

Color Diagnostics, LLC DBA Color Health
Classification: Likely benign for Cardiomyopathy. Last evaluated: 2018-11-25. Review status: criteria provided, single submitter. Criteria: ACMG Guidelines, 2015. Collection method: clinical testing. Allele origin: germline.

GeneDx
Classification: Benign. Last evaluated: 2016-06-07. Review status: criteria provided, single submitter. Criteria: GeneDx Variant Classification (06012015). Collection method: clinical testing. Allele origin: germline. Affected: yes.
Comment: This variant is considered likely benign or benign based on one or more of the following criteria: it is a conservative change, it occurs at a poorly conserved position in the protein, it is predicted to be benign by multiple in silico algorithms, and/or has population frequency not consistent with disease.

Laboratory for Molecular Medicine, Mass General Brigham Personalized Medicine
Classification: Likely benign. Last evaluated: 2014-07-24. Review status: criteria provided, single submitter. Criteria: LMM Criteria. Collection method: clinical testing. Allele origin: germline. Observed: 2 variant alleles.
Comment: p.Ala1075Ala in exon 28 of RYR2: This variant is not expected to have clinical s ignificance because it does not alter an amino acid residue and is not located w ithin the splice consensus sequence.

NM_001035.3(RYR2):c.3225C>T (p.Ala1075=)

Gene: RYR2 (ryanodine receptor 2; plus strand). Cytogenetic location: 1q43.
Variant type: single nucleotide variant.
Coding change: c.3225C>T on transcript NM_001035.3 (MANE Select); coding-DNA position 3225, C replaced by T.
Protein change: p.Ala1075=; no amino-acid change (alanine 1075 retained).
Molecular consequence: synonymous variant.
Genome position (GRCh38, 1-based): chr1:237,566,577, C>T. VCF-style: chr1-237566577-C-T. GRCh37 (hg19) VCF-style: chr1-237729877-C-T.
Identifiers: ClinVar variation 179911 (VCV000179911.24), dbSNP rs727505215, ClinGen allele CA009133.
Genomic context (GRCh38, chr1:237,566,577, plus strand): 5'-CTTTCACCTCCCCATCCAATGACCACCAGAAATCTCTGTCCATTTCCCAGCAGCCAGAGC[C>T]GAAGTGTGCAGCGGCACCGGGGAAAGGTTCCGAATCTTCCGTGCCGAGAAGACCTATGCA-3'
Protein context (NP_001026.2, residues 1065-1085): EAPDQDHAAR[Ala1075=]EVCSGTGERF